The following is an entry in ClinVar:

ClinVar aggregate classification (germline): Uncertain significance (1 of 4 stars; one submission).

Conditions:
Charcot-Marie-Tooth disease type 2. Also called: Charcot-Marie-Tooth type 2. Identifiers: Orphanet 64746, MedGen C0270914, MONDO:0018993.

gnomAD v4.1: 5 of 1,614,146 alleles (0.00031%); highest among the groups gnomAD compares: Non-Finnish European, 0.00042%; no homozygotes.

Submission:

Labcorp Genetics (formerly Invitae), Labcorp
Classification: Uncertain significance for Charcot-Marie-Tooth disease type 2. Last evaluated: 2023-08-18. Review status: criteria provided, single submitter. Criteria: Invitae Variant Classification Sherloc (09022015). Collection method: clinical testing. Allele origin: germline.
Comment: In summary, the available evidence is currently insufficient to determine the role of this variant in disease. Therefore, it has been classified as a Variant of Uncertain Significance. This sequence change replaces proline, which is neutral and non-polar, with glutamine, which is neutral and polar, at codon 59 of the AARS protein (p.Pro59Gln). This variant is not present in population databases (gnomAD no frequency). This variant has not been reported in the literature in individuals affected with AARS-related conditions. ClinVar contains an entry for this variant (Variation ID: 566188). Advanced modeling of protein sequence and biophysical properties (such as structural, functional, and spatial information, amino acid conservation, physicochemical variation, residue mobility, and thermodynamic stability) has been performed at Invitae for this missense variant, however the output from this modeling did not meet the statistical confidence thresholds required to predict the impact of this variant on AARS protein function.

NM_001605.3(AARS1):c.176C>A (p.Pro59Gln)

Gene: AARS1 (alanyl-tRNA synthetase 1; minus strand). Cytogenetic location: 16q22.1.
Variant type: single nucleotide variant.
Coding change: c.176C>A on transcript NM_001605.3 (MANE Select); coding-DNA position 176, C replaced by A.
Protein change: p.Pro59Gln; replaces proline 59 with glutamine.
Molecular consequence: missense variant.
Genome position (GRCh38, 1-based): chr16:70,277,123, G>T on the plus strand (C>A on the coding strand, the complement: AARS1 is on the minus strand). VCF-style: chr16-70277123-G-T. GRCh37 (hg19) VCF-style: chr16-70311026-G-T.
Other names: short protein forms P59Q.
Identifiers: ClinVar variation 566188 (VCV000566188.8), dbSNP rs1337985053, ClinGen allele CA396569789.